The following is an entry in ClinVar:

NM_001243177.4(ALDOA):c.1154G>A (p.Arg385Gln)

Genes: ALDOA (aldolase, fructose-bisphosphate A; plus strand), LOC112694756 (uncharaterized LOC112694756; plus strand). Cytogenetic location: 16p11.2.
Variant type: single nucleotide variant.
Coding change: c.1154G>A on transcript NM_001243177.4 (MANE Select); coding-DNA position 1154, G replaced by A.
Protein change: p.Arg385Gln; replaces arginine 385 with glutamine.
Molecular consequence: missense variant. On other transcripts: 3 prime UTR variant (3).
Genome position (GRCh38, 1-based): chr16:30,070,022, G>A. VCF-style: chr16-30070022-G-A. GRCh37 (hg19) VCF-style: chr16-30081343-G-A.
Other names: c.992G>A, p.Arg331Gln (NM_001127617.2, NM_184041.5, NM_184043.2); c.*1501G>A (NM_001365304.2, NM_001365305.2, NM_001365307.2); short protein forms R331Q, R385Q.
Identifiers: ClinVar variation 2167636 (VCV002167636.4), dbSNP rs1329509300, ClinGen allele CA395494577.

ClinVar aggregate classification (germline): Uncertain significance (1 of 4 stars; one submission).

Conditions:
HNSHA due to aldolase A deficiency (GSD12). Also called: GLYCOGEN STORAGE DISEASE XII; GSD XII; RED CELL ALDOLASE DEFICIENCY; Glycogen storage disease due to aldolase A deficiency. Identifiers: Orphanet 57, MedGen C0272066, MONDO:0012747, OMIM 611881.

Allele frequency attached by ClinVar (database versions not stated): gnomAD 0.00001; gnomAD exomes below 0.00001.
gnomAD v4.1: 7 of 1,613,668 alleles (0.00043%); highest among the groups gnomAD compares: Admixed American, 0.0033%; no homozygotes.

Submission:

Labcorp Genetics (formerly Invitae), Labcorp
Classification: Uncertain significance for HNSHA due to aldolase A deficiency. Last evaluated: 2022-10-26. Review status: criteria provided, single submitter. Criteria: Invitae Variant Classification Sherloc (09022015). Collection method: clinical testing. Allele origin: germline.
Comment: This variant has not been reported in the literature in individuals affected with ALDOA-related conditions. Algorithms developed to predict the effect of missense changes on protein structure and function are either unavailable or do not agree on the potential impact of this missense change (SIFT: "Deleterious"; PolyPhen-2: "Possibly Damaging"; Align-GVGD: "Class C0"). In summary, the available evidence is currently insufficient to determine the role of this variant in disease. Therefore, it has been classified as a Variant of Uncertain Significance. This variant is present in population databases (no rsID available, gnomAD 0.003%). This sequence change replaces arginine, which is basic and polar, with glutamine, which is neutral and polar, at codon 331 of the ALDOA protein (p.Arg331Gln).